The following is an entry in ClinVar:

ClinVar aggregate classification (germline): Uncertain significance (1 of 4 stars; one submission).

Submission:

Labcorp Genetics (formerly Invitae), Labcorp
Classification: Uncertain significance. Last evaluated: 2026-01-12. Review status: criteria provided, single submitter. Criteria: Invitae Variant Classification Sherloc (09022015). Collection method: clinical testing. Allele origin: germline.
Comment: This sequence change replaces glutamic acid, which is acidic and polar, with valine, which is neutral and non-polar, at codon 69 of the ZNF335 protein (p.Glu69Val). This variant is not present in population databases (gnomAD no frequency). This variant has not been reported in the literature in individuals affected with ZNF335-related conditions. ClinVar contains an entry for this variant (Variation ID: 2094957). An algorithm developed to predict the effect of missense changes on protein structure and function (PolyPhen-2) suggests that this variant is likely to be tolerated. In summary, the available evidence is currently insufficient to determine the role of this variant in disease. Therefore, it has been classified as a Variant of Uncertain Significance.

NM_022095.4(ZNF335):c.206A>T (p.Glu69Val)

Gene: ZNF335 (zinc finger protein 335; minus strand). Cytogenetic location: 20q13.12.
Variant type: single nucleotide variant.
Coding change: c.206A>T on transcript NM_022095.4 (MANE Select); coding-DNA position 206, A replaced by T.
Protein change: p.Glu69Val; replaces glutamic acid 69 with valine.
Molecular consequence: missense variant.
Genome position (GRCh38, 1-based): chr20:45,969,687, T>A on the plus strand (A>T on the coding strand, the complement: ZNF335 is on the minus strand). VCF-style: chr20-45969687-T-A. GRCh37 (hg19) VCF-style: chr20-44598326-T-A.
Other names: short protein forms E69V.
Identifiers: ClinVar variation 2094957 (VCV002094957.4), dbSNP rs2515586818, ClinGen allele CA409196869.